The following is an entry in ClinVar:

NM_001267550.2(TTN):c.103072G>T (p.Asp34358Tyr)

Genes: TTN-AS1 (TTN antisense RNA 1; plus strand), TTN (titin; minus strand). Cytogenetic location: 2q31.2.
Variant type: single nucleotide variant.
Coding change: c.103072G>T on transcript NM_001267550.2 (MANE Select); coding-DNA position 103072, G replaced by T.
Protein change: p.Asp34358Tyr; replaces aspartic acid 34358 with tyrosine.
Molecular consequence: missense variant.
Genome position (GRCh38, 1-based): chr2:178,533,543, C>A on the plus strand (G>T on the coding strand, the complement: TTN is on the minus strand). VCF-style: chr2-178533543-C-A. GRCh37 (hg19) VCF-style: chr2-179398270-C-A.
Other names: c.98149G>T, p.Asp32717Tyr (NM_001256850.1); c.75877G>T, p.Asp25293Tyr (NM_003319.4); c.95368G>T, p.Asp31790Tyr (NM_133378.4); c.76252G>T, p.Asp25418Tyr (NM_133432.3); c.76453G>T, p.Asp25485Tyr (NM_133437.4); short protein forms D25293Y, D25418Y, D25485Y, D31790Y, D32717Y, D34358Y.
Identifiers: ClinVar variation 1002953 (VCV001002953.7), dbSNP rs1690109376, ClinGen allele CA349415291.
Genomic context (GRCh38, chr2:178,533,543, plus strand): 5'-GGCCTTCTTGGCATTCTGCATTTGCCAGTAACCTTTTGAACATGGGTCTTAAGGTACTAT[C>A]TGTTGGAGGTGGGTGTAGGGTTACTGTCAGCTTTGCTTTACAGCTGTCTTCACCATATTT-3'
Protein context (NP_001254479.2, residues 34348-34368): LTVTLHPPPT[Asp34358Tyr]STLRPMFKRL

ClinVar aggregate classification (germline): Uncertain significance (1 of 4 stars; one submission).

Conditions:
Dilated cardiomyopathy 1G (CMD1G). Identifiers: Orphanet 154, MedGen C1858763, MONDO:0011400, OMIM 604145.
Autosomal recessive limb-girdle muscular dystrophy type 2J (LGMDR10). Also called: Limb-girdle muscular dystrophy, type 2J; MUSCULAR DYSTROPHY, LIMB-GIRDLE, AUTOSOMAL RECESSIVE 10. Identifiers: Orphanet 140922, MedGen C1837342, MONDO:0012127, OMIM 608807.

Submission:

Labcorp Genetics (formerly Invitae), Labcorp
Classification: Uncertain significance for Dilated cardiomyopathy 1G; Autosomal recessive limb-girdle muscular dystrophy type 2J. Last evaluated: 2023-08-30. Review status: criteria provided, single submitter. Criteria: Invitae Variant Classification Sherloc (09022015). Collection method: clinical testing. Allele origin: germline.
Comment: In summary, the available evidence is currently insufficient to determine the role of this variant in disease. Therefore, it has been classified as a Variant of Uncertain Significance. This variant is located in the M band of TTN (PMID: 25589632). Variants in this region may be relevant for neuromuscular disorders, but have not been definitively shown to cause cardiomyopathy (PMID: 23975875). Experimental studies and prediction algorithms are not available or were not evaluated, and the functional significance of this variant is currently unknown. ClinVar contains an entry for this variant (Variation ID: 1002953). This variant has not been reported in the literature in individuals affected with TTN-related conditions. This variant is not present in population databases (gnomAD no frequency). This sequence change replaces aspartic acid, which is acidic and polar, with tyrosine, which is neutral and polar, at codon 34358 of the TTN protein (p.Asp34358Tyr).

Literature cited by the submitters: PubMed 25589632; PubMed 23975875.